The following is an entry in ClinVar:

ClinVar aggregate classification (germline): Likely pathogenic (1 of 4 stars; one submission).

Conditions:
COG4-congenital disorder of glycosylation. Also called: COG4-CDG; CONGENITAL DISORDER OF GLYCOSYLATION, TYPE IIj; CDG IIj. Identifiers: Orphanet 263501, MedGen C4303552, MONDO:0013281, OMIM 613489.

Allele frequency attached by ClinVar (database versions not stated): gnomAD exomes below 0.00001; gnomAD 0.00001; 1000 Genomes Project 0.00020; 1000 Genomes Project 30x 0.00031.
gnomAD v4.1: 2 of 1,614,108 alleles (0.00012%); highest among the groups gnomAD compares: East Asian, 0.0022%; no homozygotes.

Submissions (2):

Labcorp Genetics (formerly Invitae), Labcorp
Classification: Likely pathogenic for COG4-congenital disorder of glycosylation. Last evaluated: 2021-04-02. Review status: criteria provided, single submitter. Criteria: Invitae Variant Classification Sherloc (09022015). Collection method: clinical testing. Allele origin: germline.
Comment: In summary, the currently available evidence indicates that the variant is pathogenic, but additional data are needed to prove that conclusively. Therefore, this variant has been classified as Likely Pathogenic. Algorithms developed to predict the effect of sequence changes on RNA splicing suggest that this variant may disrupt the consensus splice site, but this prediction has not been confirmed by published transcriptional studies. This variant has not been reported in the literature in individuals with COG4-related conditions. This variant is not present in population databases (ExAC no frequency). This sequence change affects a donor splice site in intron 4 of the COG4 gene. It is expected to disrupt RNA splicing. Variants that disrupt the donor or acceptor splice site typically lead to a loss of protein function (PMID: 16199547), and loss-of-function variants in COG4 are known to be pathogenic (PMID: 21185756).

Dr. Peter K. Rogan Lab, Western University
No classification provided (evidence only). Condition: Hepatocellular carcinoma. Review status: no classification provided. Collection method: in vitro. Allele origin: not applicable. Functional consequence: retained intron. Not counted in ClinVar's aggregate classification.

Literature cited by the submitters: PubMed 16199547 (cited by Labcorp Genetics (formerly Invitae), Labcorp); PubMed 21185756 (cited by Labcorp Genetics (formerly Invitae), Labcorp).

NM_015386.3(COG4):c.544+1G>T

Gene: COG4 (component of oligomeric golgi complex 4; minus strand). Cytogenetic location: 16q22.1.
Variant type: single nucleotide variant.
Coding change: c.544+1G>T on transcript NM_015386.3 (MANE Select); the canonical splice donor site of the intron after coding-DNA position 544, G replaced by T.
Molecular consequence: splice donor variant.
Genome position (GRCh38, 1-based): chr16:70,514,334, C>A on the plus strand (G>T on the coding strand, the complement: COG4 is on the minus strand). VCF-style: chr16-70514334-C-A. GRCh37 (hg19) VCF-style: chr16-70548237-C-A.
Other names: c.532+1G>T (NM_001195139.2); c.118+1G>T (NM_001365426.1).
Identifiers: ClinVar variation 1518423 (VCV001518423.9), dbSNP rs540632609, ClinGen allele CA283454111.